The following is an entry in ClinVar:

ClinVar aggregate classification (germline): Uncertain significance (1 of 4 stars; one submission).

Conditions:
Early-infantile DEE. Also called: Early infantile epileptic encephalopathy with suppression bursts; Early infantile epileptic encephalopathy; Ohtahara syndrome. Identifiers: Orphanet 1934, MedGen C0393706, MONDO:0800491.

Submission:

Labcorp Genetics (formerly Invitae), Labcorp
Classification: Uncertain significance for Early-infantile DEE. Last evaluated: 2018-08-20. Review status: criteria provided, single submitter. Criteria: Invitae Variant Classification Sherloc (09022015). Collection method: clinical testing. Allele origin: germline.
Comment: This sequence change replaces isoleucine with valine at codon 498 of the KCNQ2 protein (p.Ile498Val). The isoleucine residue is moderately conserved and there is a small physicochemical difference between isoleucine and valine. This variant is not present in population databases (ExAC no frequency). This variant has not been reported in the literature in individuals with KCNQ2-related disease. Algorithms developed to predict the effect of missense changes on protein structure and function output the following: SIFT: "Tolerated"; PolyPhen-2: "Benign"; Align-GVGD: "Class C0". The valine amino acid residue is found in multiple mammalian species, suggesting that this missense change does not adversely affect protein function. These predictions have not been confirmed by published functional studies and their clinical significance is uncertain. In summary, the available evidence is currently insufficient to determine the role of this variant in disease. Therefore, it has been classified as a Variant of Uncertain Significance.

NM_172107.4(KCNQ2):c.1492A>G (p.Ile498Val)

Gene: KCNQ2 (potassium voltage-gated channel subfamily Q member 2; minus strand). Cytogenetic location: 20q13.33.
Variant type: single nucleotide variant.
Coding change: c.1492A>G on transcript NM_172107.4 (MANE Select); coding-DNA position 1492, A replaced by G.
Protein change: p.Ile498Val; replaces isoleucine 498 with valine.
Molecular consequence: missense variant.
Genome position (GRCh38, 1-based): chr20:63,414,936, T>C on the plus strand (A>G on the coding strand, the complement: KCNQ2 is on the minus strand). VCF-style: chr20-63414936-T-C. GRCh37 (hg19) VCF-style: chr20-62046289-T-C.
Other names: c.1408A>G, p.Ile470Val (NM_004518.6); c.1438A>G, p.Ile480Val (NM_172106.3); c.1402A>G, p.Ile468Val (NM_172108.5); short protein forms I470V, I498V, I480V, I468V.
Identifiers: ClinVar variation 644498 (VCV000644498.9), dbSNP rs1601572937, ClinGen allele CA409646217.
Genomic context (GRCh38, chr20:63,414,936, plus strand): 5'-ACCAGGAGAGGATGCGGCCACACCCACCTTCTGAGTTCTGCCGTGACGCGGCACCCTTGA[T>C]GCGGAAAGCCTGGCGTGCCCGGCTGCGGTCCCCGAAGCTCCAGCTCTTGGGCACCTTGCT-3'
Protein context (NP_742105.1, residues 488-508): DRSRARQAFR[Ile498Val]KGAASRQNSE